The following is an entry in ClinVar:

NM_182961.4(SYNE1):c.22744G>A (p.Val7582Met)

Gene: SYNE1 (spectrin repeat containing nuclear envelope protein 1; minus strand). Cytogenetic location: 6q25.2.
Variant type: single nucleotide variant.
Coding change: c.22744G>A on transcript NM_182961.4 (MANE Select); coding-DNA position 22744, G replaced by A.
Protein change: p.Val7582Met; replaces valine 7582 with methionine.
Molecular consequence: missense variant.
Genome position (GRCh38, 1-based): chr6:152,208,052, C>T on the plus strand (G>A on the coding strand, the complement: SYNE1 is on the minus strand). VCF-style: chr6-152208052-C-T. GRCh37 (hg19) VCF-style: chr6-152529187-C-T.
Other names: c.22531G>A, p.Val7511Met (NM_033071.5); c.22744G>A (NM_182961.2); c.22531G>A (NM_033071.3); short protein forms V7582M, V7511M.
Identifiers: ClinVar variation 1398639 (VCV001398639.9), dbSNP rs748623485, ClinGen allele CA4053807.

ClinVar aggregate classification (germline): Uncertain significance. Review status: criteria provided, multiple submitters, no conflicts (2 of 4 stars). 3 submissions from 3 submitters: Uncertain significance (3). Last evaluated 2024-07-24.

Conditions:
Emery-Dreifuss muscular dystrophy 4, autosomal dominant (EDMD4). Also called: EMERY-DREIFUSS MUSCULAR DYSTROPHY 4 WITH VARIABLE FEATURES. Identifiers: Orphanet 261, MedGen C2751807, MONDO:0013071, OMIM 612998.
Autosomal recessive ataxia, Beauce type. Also called: SYNE1-Related Autosomal Recessive Cerebellar Ataxia; Spinocerebellar ataxia, autosomal recessive 8; ATAXIA, RECESSIVE, OF BEAUCE; SYNE1 Deficiency. Identifiers: Orphanet 88644, MedGen C1853116, MONDO:0012549, OMIM 610743.

Allele frequency attached by ClinVar (database versions not stated): gnomAD 0.00001; ExAC 0.00002; gnomAD exomes 0.00003 and 0.00005; TOPMed 0.00004.
gnomAD v4.1: 17 of 1,614,024 alleles (0.0011%); highest among the groups gnomAD compares: Admixed American, 0.028%; no homozygotes.

Submissions (3):

Athena Diagnostics
Classification: Uncertain significance. Last evaluated: 2024-07-24. Review status: criteria provided, single submitter. Criteria: Athena Diagnostics Criteria. Collection method: clinical testing. Allele origin: unknown.
Comment: Available data are insufficient to determine the clinical significance of the variant at this time. The frequency of this variant in the general population is uninformative in assessment of its pathogenicity. Polyphen and MutationTaster predict this amino acid change may be benign.

Revvity Omics, Revvity
Classification: Uncertain significance. Last evaluated: 2023-03-28. Review status: criteria provided, single submitter. Criteria: ACMG Guidelines, 2015. Collection method: clinical testing. Allele origin: germline.

Labcorp Genetics (formerly Invitae), Labcorp
Classification: Uncertain significance for Emery-Dreifuss muscular dystrophy 4, autosomal dominant; Autosomal recessive ataxia, Beauce type. Last evaluated: 2021-11-26. Review status: criteria provided, single submitter. Criteria: Invitae Variant Classification Sherloc (09022015). Collection method: clinical testing. Allele origin: germline.
Comment: This sequence change replaces valine, which is neutral and non-polar, with methionine, which is neutral and non-polar, at codon 7511 of the SYNE1 protein (p.Val7511Met). This variant is present in population databases (rs748623485, gnomAD 0.03%). This variant has not been reported in the literature in individuals affected with SYNE1-related conditions. Algorithms developed to predict the effect of missense changes on protein structure and function are either unavailable or do not agree on the potential impact of this missense change (SIFT: "Deleterious"; PolyPhen-2: "Benign"; Align-GVGD: "Class C0"). In summary, the available evidence is currently insufficient to determine the role of this variant in disease. Therefore, it has been classified as a Variant of Uncertain Significance.